The following is an entry in ClinVar:

ClinVar aggregate classification (germline): Conflicting classifications of pathogenicity. Review status: criteria provided, conflicting classifications (1 of 4 stars). 6 submissions from 6 submitters: Pathogenic (1); Uncertain significance (5). Last evaluated 2025-10-21.

Conditions:
ATL1-related disorder. Also called: ATL1-related condition.
Hereditary spastic paraplegia. Also called: Familial spastic paraparesis. Identifiers: Orphanet 685, MedGen C0037773, MONDO:0019064. Disease mechanism: loss of function.
Hereditary spastic paraplegia 3A (SPG3A). Also called: SPASTIC PARAPLEGIA 3, AUTOSOMAL DOMINANT; FAMILIAL SPASTIC PARAPLEGIA, AUTOSOMAL DOMINANT, 1; SPG3; STRUMPELL DISEASE; Spastic Paraplegia 3A; Spastic paraplegia 3A, autosomal dominant. Identifiers: Orphanet 100984, MedGen C2931355, MONDO:0008437, OMIM 182600.
Inborn genetic diseases. Identifiers: MedGen C0950123, MeSH D030342.

Allele frequency attached by ClinVar (database versions not stated): gnomAD 0.00001 and 0.00002; ExAC 0.00002; gnomAD exomes 0.00002 and 0.00003; TOPMed 0.00003; ESP Exome Variant Server 0.00008.
gnomAD v4.1: 36 of 1,613,434 alleles (0.0022%); highest among the groups gnomAD compares: Non-Finnish European, 0.0029%; no homozygotes.

Submissions (6):

Labcorp Genetics (formerly Invitae), Labcorp
Classification: Pathogenic for Hereditary spastic paraplegia 3A. Last evaluated: 2025-10-21. Review status: criteria provided, single submitter. Criteria: Invitae Variant Classification Sherloc (09022015). Collection method: clinical testing. Allele origin: germline.
Comment: This sequence change replaces proline, which is neutral and non-polar, with serine, which is neutral and polar, at codon 208 of the ATL1 protein (p.Pro208Ser). This variant is present in population databases (rs147839037, gnomAD 0.005%). This missense change has been observed in individuals with clinical features of autosomal dominant hereditary sensory and autonomic neuropathy (internal data). It has also been observed to segregate with disease in related individuals. ClinVar contains an entry for this variant (Variation ID: 313296). Invitae Evidence Modeling of protein sequence and biophysical properties (such as structural, functional, and spatial information, amino acid conservation, physicochemical variation, residue mobility, and thermodynamic stability) indicates that this missense variant is expected to disrupt ATL1 protein function with a positive predictive value of 95%. For these reasons, this variant has been classified as Pathogenic.

Ambry Genetics
Classification: Uncertain significance for Inborn genetic diseases. Last evaluated: 2025-08-04. Review status: criteria provided, single submitter. Criteria: Ambry Variant Classification Scheme 2023. Collection method: clinical testing. Allele origin: germline.

PreventionGenetics, part of Exact Sciences
Classification: Uncertain significance for ATL1-related condition. Last evaluated: 2022-12-15. Review status: criteria provided, single submitter. Criteria: ACMG Guidelines, 2015. Collection method: clinical testing. Allele origin: germline.
Comment: The ATL1 c.622C>T variant is predicted to result in the amino acid substitution p.Pro208Ser. To our knowledge, this variant has not been reported in the literature. This variant is reported in 0.0062% of alleles in individuals of African descent in gnomAD. At this time, the clinical significance of this variant is uncertain due to the absence of conclusive functional and genetic evidence.

Cambridge Genomics Laboratory, East Genomic Laboratory Hub, NHS Genomic Medicine Service
Classification: Uncertain significance for Hereditary spastic paraplegia. Last evaluated: 2020-04-29. Review status: criteria provided, single submitter. Criteria: ACGS Best Practice Guidelines for Variant Classification in Rare Disease 2020. Collection method: clinical testing. Allele origin: germline. Affected: yes. Observed: 1 variant allele.

Illumina Laboratory Services, Illumina
Classification: Uncertain significance for Hereditary spastic paraplegia 3A. Last evaluated: 2018-01-13. Review status: criteria provided, single submitter. Criteria: ICSL Variant Classification Criteria 13 December 2019. Collection method: clinical testing. Allele origin: germline.

GeneDx
Classification: Uncertain significance. Last evaluated: 2016-12-30. Review status: criteria provided, single submitter. Criteria: GeneDx Variant Classification (06012015). Collection method: clinical testing. Allele origin: germline. Affected: yes.
Comment: A variant of uncertain significance has been identified in the ATL1 gene. The P208S variant has not been published as a pathogenic variant, nor has it been reported as a benign variant to our knowledge. The P208S variant is not observed at a significant frequency in large population cohorts (Lek et al., 2016; 1000 Genomes Consortium et al., 2015; Exome Variant Server). The P208S variant is a non-conservative amino acid substitution, which is likely to impact secondary protein structure as these residues differ in polarity, charge, size and/or other properties. This substitution occurs at a position that is conserved across species, and in silico analysis predicts this variant is probably damaging to the protein structure/function. However, missense variants in nearby residues have not been reported in the Human Gene Mutation Database in association with ATL1-realted disorders (Stenson et al., 2014). Therefore, based on the currently available information, it is unclear whether this variant is a pathogenic variant or a rare benign variant.

NM_015915.5(ATL1):c.622C>T (p.Pro208Ser)

Gene: ATL1 (atlastin GTPase 1; plus strand). Cytogenetic location: 14q22.1.
Variant type: single nucleotide variant.
Coding change: c.622C>T on transcript NM_015915.5 (MANE Select); coding-DNA position 622, C replaced by T.
Protein change: p.Pro208Ser; replaces proline 208 with serine.
Molecular consequence: missense variant.
Genome position (GRCh38, 1-based): chr14:50,595,624, C>T. VCF-style: chr14-50595624-C-T. GRCh37 (hg19) VCF-style: chr14-51062342-C-T.
Other names: c.622C>T, p.Pro208Ser (NM_001127713.1, NM_181598.4); short protein forms P208S.
Identifiers: ClinVar variation 313296 (VCV000313296.17), dbSNP rs147839037, ClinGen allele CA7180294.